The following is an entry in ClinVar:

NM_024642.5(GALNT12):c.1036-1G>A

Gene: GALNT12 (polypeptide N-acetylgalactosaminyltransferase 12; plus strand). Cytogenetic location: 9q22.33.
Variant type: single nucleotide variant.
Coding change: c.1036-1G>A on transcript NM_024642.5 (MANE Select); the canonical splice acceptor site of the intron before coding-DNA position 1036, G replaced by A.
Molecular consequence: splice acceptor variant.
Genome position (GRCh38, 1-based): chr9:98,836,971, G>A. VCF-style: chr9-98836971-G-A. GRCh37 (hg19) VCF-style: chr9-101599253-G-A.
Identifiers: ClinVar variation 2681949 (VCV002681949.1), dbSNP rs1836167693, ClinGen allele CA374219583.
Genomic context (GRCh38, chr9:98,836,971, plus strand): 5'-ACTATGGACCCGCAGCTCATCCCCTGCTCACCACCTGGCCTCTCCTTTTCTCTGTGTGCA[G>A]ATCTGGCAGTGTGGTGGGGTTCTGGAAACACACCCATGTTCCCATGTTGGCCATGTTTTC-3'

ClinVar aggregate classification (germline): Uncertain significance (1 of 4 stars; one submission).

Allele frequency attached by ClinVar (database versions not stated): TOPMed below 0.00001.

Submission:

Quest Diagnostics Nichols Institute San Juan Capistrano
Classification: Uncertain significance. Last evaluated: 2023-04-17. Review status: criteria provided, single submitter. Criteria: Quest Diagnostics criteria. Collection method: clinical testing. Allele origin: unknown.
Comment: This variant disrupts a canonical splice-acceptor site and is predicted to interfere with normal GALNT12 mRNA splicing. To the best of our knowledge, the variant has not been reported in online databases or the published literature. It also has not been reported in large, multi-ethnic general populations. Based on the available information, we are unable to determine the clinical significance of this variant.